The following is an entry in ClinVar:

ClinVar aggregate classification (germline): Uncertain significance (1 of 4 stars; one submission).

Conditions:
Cardiovascular phenotype. Identifiers: MedGen CN230736.

Submission:

Ambry Genetics
Classification: Uncertain significance for Cardiovascular phenotype. Last evaluated: 2017-11-03. Review status: criteria provided, single submitter. Criteria: Ambry Variant Classification Scheme 2023. Collection method: clinical testing. Allele origin: germline.
Comment: The p.F856L variant (also known as c.2566T>C), located in coding exon 20 of the MYH7 gene, results from a T to C substitution at nucleotide position 2566. The phenylalanine at codon 856 is replaced by leucine, an amino acid with highly similar properties. This amino acid position is highly conserved in available vertebrate species. In addition, this alteration is predicted to be deleterious by in silico analysis. Since supporting evidence is limited at this time, the clinical significance of this alteration remains unclear.

NM_000257.4(MYH7):c.2566T>C (p.Phe856Leu)

Genes: MYH7 (myosin heavy chain 7; minus strand), LOC126861898 (BRD4-independent group 4 enhancer GRCh37_chr14:23893609-23894808; plus strand). Cytogenetic location: 14q11.2.
Variant type: single nucleotide variant.
Coding change: c.2566T>C on transcript NM_000257.4 (MANE Select); coding-DNA position 2566, T replaced by C.
Protein change: p.Phe856Leu; replaces phenylalanine 856 with leucine.
Molecular consequence: missense variant.
Genome position (GRCh38, 1-based): chr14:23,424,882, A>G on the plus strand (T>C on the coding strand, the complement: MYH7 is on the minus strand). VCF-style: chr14-23424882-A-G. GRCh37 (hg19) VCF-style: chr14-23894091-A-G.
Other names: c.2566T>C (LRG_384t1); short protein forms F856L.
Identifiers: ClinVar variation 518874 (VCV000518874.5), dbSNP rs1555337717, ClinGen allele CA389048139.